The following is an entry in ClinVar:

ClinVar aggregate classification (germline): Likely pathogenic (1 of 4 stars; one submission).

Conditions:
Nephronophthisis 4 (NPHP4). Also called: NEPHRONOPHTHISIS 4, JUVENILE. Identifiers: Orphanet 655, MedGen C1847013, MONDO:0011752, OMIM 606966.

Submission:

Laboratory of Medical Genetics, National & Kapodistrian University of Athens
Classification: Likely pathogenic for Nephronophthisis 4. Last evaluated: 2024-01-09. Review status: criteria provided, single submitter. Criteria: ACMG Guidelines, 2015. Collection method: clinical testing. Allele origin: germline. Affected: yes.
Comment: PVS1, PM2 - The variant is expected to result in an absent or disrupted protein product. Low frequency in gnomAD population databases.

NM_015102.5(NPHP4):c.186_189del (p.Phe62fs)

Gene: NPHP4 (nephrocystin 4; minus strand). Cytogenetic location: 1p36.31.
Variant type: Microsatellite.
Coding change: c.186_189del on transcript NM_015102.5 (MANE Select); coding-DNA positions 186 to 189, 4 bases deleted (CTTT; older notation c.186_189delCTTT).
Protein change: p.Phe62fs; shifts the reading frame from phenylalanine 62.
Molecular consequence: frameshift variant. On other transcripts: 5 prime UTR variant (1), non-coding transcript variant (1), intron variant (1).
Genome position (GRCh38, 1-based): chr1:5,978,360-5,978,363, AAAG deleted on the plus strand (CTTT on the coding strand, the reverse complement: NPHP4 is on the minus strand); deleting any 4 consecutive bases within chr1:5,978,360-5,978,368 gives the same sequence; the c. name uses the placement nearest the transcript's 3' end. VCF-style (leftmost placement, unchanged base first): chr1-5978359-CAAAG-C. GRCh37 (hg19) VCF-style: chr1-6038419-CAAAG-C.
Other names: c.-1048CTTT[1] (NM_001291593.2); c.-1087-9104_-1087-9101del (NM_001291594.2); short protein forms F62fs.
Identifiers: ClinVar variation 3256580 (VCV003256580.1).
Genomic context (GRCh38, chr1:5,978,359, plus strand): 5'-TCTTCGTCGGCTTCACTGTGGTTTTCCACGTCCTCCCAAAGAAGTGCCGGTAGGTGACAT[CAAAG>C]AAAGACACTCGCAGATGGCATTCAACCTCTGACAGTACCTCCAGCACGCCCTAGGAGACA-3'